The following is an entry in ClinVar:

ClinVar aggregate classification (germline): Uncertain significance (1 of 4 stars; one submission).

Submission:

GeneDx
Classification: Uncertain significance. Last evaluated: 2026-08-05. Review status: criteria provided, single submitter. Criteria: GeneDx Variant Classification Process June 2021. Collection method: clinical testing. Allele origin: germline.
Comment: Not observed at significant frequency in large population cohorts (gnomAD); In silico analysis suggests that this missense variant does not alter protein structure/function; Has not been previously published as pathogenic or benign to our knowledge; Occurs in the triple helical domain at the X position in the canonical Gly-X-Y repeat; although this variant may have an effect on normal protein folding and function, missense substitution at the X position is not a common mechanism of disease (HGMD)

NM_000090.4(COL3A1):c.1676A>C (p.Glu559Ala)

Gene: COL3A1 (collagen type III alpha 1 chain; plus strand). Cytogenetic location: 2q32.2.
Variant type: single nucleotide variant.
Coding change: c.1676A>C on transcript NM_000090.4 (MANE Select); coding-DNA position 1676, A replaced by C.
Protein change: p.Glu559Ala; replaces glutamic acid 559 with alanine.
Molecular consequence: missense variant.
Genome position (GRCh38, 1-based): chr2:188,996,411, A>C. VCF-style: chr2-188996411-A-C. GRCh37 (hg19) VCF-style: chr2-189861137-A-C.
Other names: p.E559A:GAA>GCA; short protein forms E559A.
Identifiers: ClinVar variation 199724 (VCV000199724.3), dbSNP rs794728047, ClinGen allele CA004430.